The following is an entry in ClinVar:

NM_153704.6(TMEM67):c.1028T>C (p.Phe343Ser)

Gene: TMEM67 (transmembrane protein 67; plus strand). Cytogenetic location: 8q22.1.
Variant type: single nucleotide variant.
Coding change: c.1028T>C on transcript NM_153704.6 (MANE Select); coding-DNA position 1028, T replaced by C.
Protein change: p.Phe343Ser; replaces phenylalanine 343 with serine.
Molecular consequence: missense variant. On other transcripts: non-coding transcript variant (1).
Genome position (GRCh38, 1-based): chr8:93,781,707, T>C. VCF-style: chr8-93781707-T-C. GRCh37 (hg19) VCF-style: chr8-94793935-T-C.
Other names: c.785T>C, p.Phe262Ser (NM_001142301.1); short protein forms F262S, F343S.
Identifiers: ClinVar variation 4991410 (VCV004991410.1).

ClinVar aggregate classification (germline): Uncertain significance (1 of 4 stars; one submission).

Conditions:
TMEM67-related disorder. Also called: TMEM67-related disorders; TMEM67-related condition. Identifiers: MedGen CN239423.

Submission:

PreventionGenetics, part of Exact Sciences
Classification: Uncertain significance for TMEM67-related condition. Last evaluated: 2025-09-03. Review status: criteria provided, single submitter. Criteria: ACMG Guidelines, 2015. Collection method: clinical testing. Allele origin: germline.
Comment: The TMEM67 c.1028T>C variant is predicted to result in the amino acid substitution p.Phe343Ser. To our knowledge, this variant has not been reported in the literature or in a large population database (gnomAD), indicating this variant is rare. At this time, the clinical significance of this variant is uncertain due to the absence of conclusive functional and genetic evidence.